The following is an entry in ClinVar:

NM_014712.3(SETD1A):c.3469C>T (p.Leu1157Phe)

Gene: SETD1A (SET domain containing 1A, histone lysine methyltransferase; plus strand). Cytogenetic location: 16p11.2.
Variant type: single nucleotide variant.
Coding change: c.3469C>T on transcript NM_014712.3 (MANE Select); coding-DNA position 3469, C replaced by T.
Protein change: p.Leu1157Phe; replaces leucine 1157 with phenylalanine.
Molecular consequence: missense variant.
Genome position (GRCh38, 1-based): chr16:30,979,255, C>T. VCF-style: chr16-30979255-C-T. GRCh37 (hg19) VCF-style: chr16-30990576-C-T.
Other names: short protein forms L1157F.
Identifiers: ClinVar variation 3033128 (VCV003033128.2), dbSNP rs2543900833, ClinGen allele CA395626751.

ClinVar aggregate classification (germline): Uncertain significance (0 of 4 stars; one submission).

Conditions:
SETD1A-related disorder. Also called: SETD1A-related condition.

Allele frequency attached by ClinVar (database versions not stated): gnomAD exomes below 0.00001.
gnomAD v4.1: 5 of 1,611,432 alleles (0.00031%); highest among the groups gnomAD compares: Non-Finnish European, 0.00042%; no homozygotes.

Submission:

PreventionGenetics, part of Exact Sciences
Classification: Uncertain significance for SETD1A-related condition. Last evaluated: 2023-10-24. Review status: no assertion criteria provided. Collection method: clinical testing. Allele origin: germline.
Comment: The SETD1A c.3469C>T variant is predicted to result in the amino acid substitution p.Leu1157Phe. To our knowledge, this variant has not been reported in the literature or in a large population database, indicating this variant is rare. At this time, the clinical significance of this variant is uncertain due to the absence of conclusive functional and genetic evidence.